The following is an entry in ClinVar:

NM_001320.7(CSNK2B):c.6C>T (p.Ser2=)

Gene: CSNK2B (casein kinase 2 beta; plus strand). Cytogenetic location: 6p21.33.
Variant type: single nucleotide variant.
Coding change: c.6C>T on transcript NM_001320.7 (MANE Select); coding-DNA position 6, C replaced by T.
Protein change: p.Ser2=; no amino-acid change (serine 2 retained).
Molecular consequence: synonymous variant.
Genome position (GRCh38, 1-based): chr6:31,666,837, C>T. VCF-style: chr6-31666837-C-T. GRCh37 (hg19) VCF-style: chr6-31634614-C-T.
Other names: c.6C>T, p.Ser2= (NM_001282385.2).
Identifiers: ClinVar variation 3048258 (VCV003048258.2), dbSNP rs1801756577, ClinGen allele CA449671042.

ClinVar aggregate classification (germline): Likely benign (0 of 4 stars; one submission).

Conditions:
CSNK2B-related disorder. Also called: CSNK2B-related condition.

Allele frequency attached by ClinVar (database versions not stated): gnomAD exomes below 0.00001; TOPMed below 0.00001.
gnomAD v4.1: 2 of 1,613,194 alleles (0.00012%); highest among the groups gnomAD compares: Non-Finnish European, 0.00017%; no homozygotes.

Submission:

PreventionGenetics, part of Exact Sciences
Classification: Likely benign for CSNK2B-related condition. Last evaluated: 2024-01-23. Review status: no assertion criteria provided. Collection method: clinical testing. Allele origin: germline.
Comment: This variant is classified as likely benign based on ACMG/AMP sequence variant interpretation guidelines (Richards et al. 2015 PMID: 25741868, with internal and published modifications).